The following is an entry in ClinVar:

ClinVar aggregate classification (germline): Uncertain significance (1 of 4 stars; one submission).

Conditions:
T-cell immunodeficiency, congenital alopecia, and nail dystrophy. Also called: Congenital alopecia and nail dystrophy associated with severe functional T-cell immunodeficiency; Pignata Guarino syndrome. Identifiers: Orphanet 169095, MedGen C1866426, MONDO:0011132, OMIM 601705.

Allele frequency attached by ClinVar (database versions not stated): gnomAD exomes below 0.00001.
gnomAD v4.1: 1 of 1,607,950 alleles (0.000062%); highest among the groups gnomAD compares: South Asian, 0.0011%; no homozygotes.

Submission:

Labcorp Genetics (formerly Invitae), Labcorp
Classification: Uncertain significance for T-cell immunodeficiency, congenital alopecia, and nail dystrophy. Last evaluated: 2022-09-07. Review status: criteria provided, single submitter. Criteria: Invitae Variant Classification Sherloc (09022015). Collection method: clinical testing. Allele origin: germline.
Comment: Algorithms developed to predict the effect of missense changes on protein structure and function (SIFT, PolyPhen-2, Align-GVGD) all suggest that this variant is likely to be disruptive. In summary, the available evidence is currently insufficient to determine the role of this variant in disease. Therefore, it has been classified as a Variant of Uncertain Significance. ClinVar contains an entry for this variant (Variation ID: 566127). This sequence change replaces tyrosine, which is neutral and polar, with histidine, which is basic and polar, at codon 298 of the FOXN1 protein (p.Tyr298His). This variant is not present in population databases (gnomAD no frequency). This variant has not been reported in the literature in individuals affected with FOXN1-related conditions.

NM_001369369.1(FOXN1):c.892T>C (p.Tyr298His)

Gene: FOXN1 (forkhead box N1; plus strand). Cytogenetic location: 17q11.2.
Variant type: single nucleotide variant.
Coding change: c.892T>C on transcript NM_001369369.1 (MANE Select); coding-DNA position 892, T replaced by C.
Protein change: p.Tyr298His; replaces tyrosine 298 with histidine.
Molecular consequence: missense variant.
Genome position (GRCh38, 1-based): chr17:28,530,810, T>C. VCF-style: chr17-28530810-T-C. GRCh37 (hg19) VCF-style: chr17-26857828-T-C.
Other names: c.892T>C, p.Tyr298His (NM_003593.3); short protein forms Y298H.
Identifiers: ClinVar variation 566127 (VCV000566127.6), dbSNP rs1567883693, ClinGen allele CA398323759.
Genomic context (GRCh38, chr17:28,530,810, plus strand): 5'-ATCCTCATCTTCATGGCCCTTAAGAACAGTAAAACTGGGAGCCTTCCCGTCAGCGAGATC[T>C]ACAATTTTATGACGGAGCACTTTCCTTACTTCAAGGTGAGCCCAAGATTCCTCCCCATCC-3'
Protein context (NP_001356298.1, residues 288-308): KTGSLPVSEI[Tyr298His]NFMTEHFPYF